The following is an entry in ClinVar:

ClinVar aggregate classification (germline): Uncertain significance (1 of 4 stars; one submission).

Allele frequency attached by ClinVar (database versions not stated): gnomAD 0.00001; gnomAD exomes 0.00001; TOPMed 0.00002.
gnomAD v4.1: 38 of 1,613,706 alleles (0.0024%); highest among the groups gnomAD compares: Non-Finnish European, 0.0031%; no homozygotes.

Submission:

Labcorp Genetics (formerly Invitae), Labcorp
Classification: Uncertain significance. Last evaluated: 2020-04-20. Review status: criteria provided, single submitter. Criteria: Invitae Variant Classification Sherloc (09022015). Collection method: clinical testing. Allele origin: germline.
Comment: In summary, the available evidence is currently insufficient to determine the role of this variant in disease. Therefore, it has been classified as a Variant of Uncertain Significance. Algorithms developed to predict the effect of missense changes on protein structure and function output the following: SIFT: "Tolerated"; PolyPhen-2: "Benign"; Align-GVGD: "Class C0". The alanine amino acid residue is found in multiple mammalian species, suggesting that this missense change does not adversely affect protein function. These predictions have not been confirmed by published functional studies and their clinical significance is uncertain. This sequence change replaces threonine with alanine at codon 37 of the MMP9 protein (p.Thr37Ala). The threonine residue is moderately conserved and there is a small physicochemical difference between threonine and alanine. This variant has not been reported in the literature in individuals with MMP9-related conditions. This variant is not present in population databases (ExAC no frequency).

NM_004994.3(MMP9):c.109A>G (p.Thr37Ala)

Gene: MMP9 (matrix metallopeptidase 9; plus strand). Cytogenetic location: 20q13.12.
Variant type: single nucleotide variant.
Coding change: c.109A>G on transcript NM_004994.3 (MANE Select); coding-DNA position 109, A replaced by G.
Protein change: p.Thr37Ala; replaces threonine 37 with alanine.
Molecular consequence: missense variant.
Genome position (GRCh38, 1-based): chr20:46,009,035, A>G. VCF-style: chr20-46009035-A-G. GRCh37 (hg19) VCF-style: chr20-44637674-A-G.
Other names: short protein forms T37A.
Identifiers: ClinVar variation 1042984 (VCV001042984.8), dbSNP rs1311674897, ClinGen allele CA409210208.
Genomic context (GRCh38, chr20:46,009,035, plus strand): 5'-TGCTTTGCTGCCCCCAGACAGCGCCAGTCCACCCTTGTGCTCTTCCCTGGAGACCTGAGA[A>G]CCAATCTCACCGACAGGCAGCTGGCAGAGGTGGGCAAACACCTAGTCTAGAGTTGGGGAG-3'
Protein context (NP_004985.2, residues 27-47): TLVLFPGDLR[Thr37Ala]NLTDRQLAEE